The following is an entry in ClinVar:

NM_007289.4(MME):c.373C>T (p.Pro125Ser)

Gene: MME (membrane metalloendopeptidase; plus strand). Cytogenetic location: 3q25.2.
Variant type: single nucleotide variant.
Coding change: c.373C>T on transcript NM_007289.4 (MANE Select); coding-DNA position 373, C replaced by T.
Protein change: p.Pro125Ser; replaces proline 125 with serine.
Molecular consequence: missense variant.
Genome position (GRCh38, 1-based): chr3:155,116,493, C>T. VCF-style: chr3-155116493-C-T. GRCh37 (hg19) VCF-style: chr3-154834282-C-T.
Other names: c.373C>T, p.Pro125Ser (NM_000902.5, NM_001354642.2, NM_001354643.1 and 2 more transcripts); short protein forms P125S.
Identifiers: ClinVar variation 4077289 (VCV004077289.1).

ClinVar aggregate classification (germline): Uncertain significance (1 of 4 stars; one submission).

gnomAD v4.1: 4 of 1,611,418 alleles (0.00025%); highest among the groups gnomAD compares: Non-Finnish European, 0.000085%; no homozygotes.

Submission:

GeneDx
Classification: Uncertain significance. Last evaluated: 2025-02-26. Review status: criteria provided, single submitter. Criteria: GeneDx Variant Classification Process June 2021. Collection method: clinical testing. Allele origin: germline. Affected: yes.
Comment: Not observed at significant frequency in large population cohorts (gnomAD); In silico analysis indicates that this missense variant does not alter protein structure/function; Has not been previously published as pathogenic or benign to our knowledge